The following is an entry in ClinVar:

ClinVar aggregate classification (germline): Benign (1 of 4 stars; one submission).

Allele frequency attached by ClinVar (database versions not stated): gnomAD 0.06922 and 0.07268; TOPMed 0.07580; 1000 Genomes Project 0.07728; 1000 Genomes Project 30x 0.08073.
gnomAD v4.1: 10,425 of 151,898 alleles (6.9%); highest among the groups gnomAD compares: African/African-American, 21%; 918 homozygotes.

Submission:

GeneDx
Classification: Benign. Last evaluated: 2018-06-14. Review status: criteria provided, single submitter. Criteria: GeneDx Variant Classification (06012015). Collection method: clinical testing. Allele origin: germline. Affected: yes.
Comment: This variant is considered likely benign or benign based on one or more of the following criteria: it is a conservative change, it occurs at a poorly conserved position in the protein, it is predicted to be benign by multiple in silico algorithms, and/or has population frequency not consistent with disease.

NM_032578.4(MYPN):c.1079-296T>C

Gene: MYPN (myopalladin; plus strand). Cytogenetic location: 10q21.3.
Variant type: single nucleotide variant.
Coding change: c.1079-296T>C on transcript NM_032578.4 (MANE Select); 296 bases into the intron before coding-DNA position 1079, T replaced by C.
Molecular consequence: intron variant.
Genome position (GRCh38, 1-based): chr10:68,145,179, T>C. VCF-style: chr10-68145179-T-C. GRCh37 (hg19) VCF-style: chr10-69904936-T-C.
Other names: c.1079-296T>C (NM_001256267.2); c.197-296T>C (NM_001256268.2).
Identifiers: ClinVar variation 671221 (VCV000671221.1), dbSNP rs148463826, ClinGen allele CA208180299.